The following is an entry in ClinVar:

ClinVar aggregate classification (germline): Uncertain significance (1 of 4 stars; one submission).

Allele frequency attached by ClinVar (database versions not stated): gnomAD exomes 0.00005 and 0.00009; ExAC 0.00006; gnomAD 0.00007 and 0.00009; TOPMed 0.00011; ESP Exome Variant Server 0.00015.
gnomAD v4.1: 93 of 1,614,004 alleles (0.0058%); highest among the groups gnomAD compares: African/African-American, 0.004%; no homozygotes.

Submission:

Labcorp Genetics (formerly Invitae), Labcorp
Classification: Uncertain significance. Last evaluated: 2021-12-12. Review status: criteria provided, single submitter. Criteria: Invitae Variant Classification Sherloc (09022015). Collection method: clinical testing. Allele origin: germline.
Comment: This sequence change replaces valine, which is neutral and non-polar, with methionine, which is neutral and non-polar, at codon 1807 of the CCDC88A protein (p.Val1807Met). This variant is present in population databases (rs138449414, gnomAD 0.2%). This variant has not been reported in the literature in individuals affected with CCDC88A-related conditions. Algorithms developed to predict the effect of missense changes on protein structure and function are either unavailable or do not agree on the potential impact of this missense change (SIFT: "Deleterious"; PolyPhen-2: "Probably Damaging"; Align-GVGD: "Class C0"). In summary, the available evidence is currently insufficient to determine the role of this variant in disease. Therefore, it has been classified as a Variant of Uncertain Significance.

NM_001365480.1(CCDC88A):c.5422G>A (p.Val1808Met)

Gene: CCDC88A (coiled-coil domain containing 88A; minus strand). Cytogenetic location: 2p16.1.
Variant type: single nucleotide variant.
Coding change: c.5422G>A on transcript NM_001365480.1 (MANE Select); coding-DNA position 5422, G replaced by A.
Protein change: p.Val1808Met; replaces valine 1808 with methionine.
Molecular consequence: missense variant.
Genome position (GRCh38, 1-based): chr2:55,295,726, C>T on the plus strand (G>A on the coding strand, the complement: CCDC88A is on the minus strand). VCF-style: chr2-55295726-C-T. GRCh37 (hg19) VCF-style: chr2-55522862-C-T.
Other names: c.5419G>A, p.Val1807Met (NM_001135597.2); c.5197G>A, p.Val1733Met (NM_001254943.2); c.5338G>A, p.Val1780Met (NM_018084.5); short protein forms V1780M, V1733M, V1808M, V1807M.
Identifiers: ClinVar variation 1387942 (VCV001387942.5), dbSNP rs138449414, ClinGen allele CA1665328.
Genomic context (GRCh38, chr2:55,295,726, plus strand): 5'-CCTTGGTCAAAAAATCATGGATGCTTGTCCTTCGTGTAGTTCCTTCGGCAGTTGAGATCA[C>T]GCTGCTTGCACGAGGTAAAGTTGCATAAGGGTTACTATCTTTTGATTGTCGTGACAGAGA-3'
Protein context (NP_001352409.1, residues 1798-1818): PYATLPRASS[Val1808Met]ISTAEGTTRR